The following is an entry in ClinVar:

ClinVar aggregate classification (germline): Uncertain significance (1 of 4 stars; one submission).

Conditions:
Niemann-Pick disease, type C1. Also called: NIEMANN-PICK DISEASE, VARIANT TYPE C1; NEUROVISCERAL STORAGE DISEASE WITH VERTICAL SUPRANUCLEAR OPHTHALMOPLEGIA; NIEMANN-PICK DISEASE WITH CHOLESTEROL ESTERIFICATION BLOCK; NIEMANN-PICK DISEASE WITHOUT SPHINGOMYELINASE DEFICIENCY; NIEMANN-PICK DISEASE, CHRONIC NEURONOPATHIC FORM. Identifiers: Orphanet 646, MedGen C3179455, MONDO:0009757, OMIM 257220.

Allele frequency attached by ClinVar (database versions not stated): gnomAD 0.00001.
gnomAD v4.1: 4 of 1,613,948 alleles (0.00025%); highest among the groups gnomAD compares: South Asian, 0.0044%; no homozygotes.

Submission:

Foundation for Research in Genetics and Endocrinology, FRIGE's Institute of Human Genetics
Classification: Uncertain significance for Niemann-Pick disease, type C1. Last evaluated: 2024-01-25. Review status: criteria provided, single submitter. Criteria: ACMG Guidelines, 2015. Collection method: clinical testing. Allele origin: germline. Inheritance: Autosomal recessive inheritance. Affected: yes. Observed: 1 homozygote.
Comment: A homozygous variant in exon 9 of the NPC1 gene that results in the amino acid substitution of proline for alanine at codon 470 was detected. The observed variant c.1408G>C has not been reported in the 1000 genomes database. The in silico predictions of the variant is damaging by MutationTaster and DANN. In summary, the variant meets our criteria to be classified as variant of uncertain significance.

NM_000271.5(NPC1):c.1408G>C (p.Ala470Pro)

Gene: NPC1 (NPC intracellular cholesterol transporter 1; minus strand). Cytogenetic location: 18q11.2.
Variant type: single nucleotide variant.
Coding change: c.1408G>C on transcript NM_000271.5 (MANE Select); coding-DNA position 1408, G replaced by C.
Protein change: p.Ala470Pro; replaces alanine 470 with proline.
Molecular consequence: missense variant.
Genome position (GRCh38, 1-based): chr18:23,554,903, C>G on the plus strand (G>C on the coding strand, the complement: NPC1 is on the minus strand). VCF-style: chr18-23554903-C-G. GRCh37 (hg19) VCF-style: chr18-21134867-C-G.
Other names: p.Ala470Pro; short protein forms A470P.
Identifiers: ClinVar variation 2690924 (VCV002690924.2), dbSNP rs2058928045, ClinGen allele CA401776225.